The following is an entry in ClinVar:

ClinVar aggregate classification (germline): Conflicting classifications of pathogenicity. Review status: criteria provided, conflicting classifications (1 of 4 stars). 3 submissions from 3 submitters: Uncertain significance (1); Benign (1); Likely benign (1). Last evaluated 2024-05-01.

Conditions:
Hereditary cancer-predisposing syndrome. Also called: Neoplastic Syndromes, Hereditary; Tumor predisposition; Hereditary Cancer Syndrome; Hereditary neoplastic syndrome. Identifiers: Orphanet 140162, MedGen C0027672, MeSH D009386, MONDO:0015356.
PTCH1-related disorder. Also called: PTCH1-related disorders; PTCH1-related condition.
Gorlin syndrome. Also called: Nevoid Basal Cell Carcinoma Syndrome; Basal cell nevus syndrome. Identifiers: Orphanet 377, MedGen C0004779, MONDO:0007187.

Allele frequency attached by ClinVar (database versions not stated): gnomAD 0.00001; gnomAD exomes 0.00001 and 0.00002; ExAC 0.00002.
gnomAD v4.1: 17 of 1,614,094 alleles (0.0011%); highest among the groups gnomAD compares: East Asian, 0.0022%; no homozygotes.

Submissions (3):

Labcorp Genetics (formerly Invitae), Labcorp
Classification: Benign for Gorlin syndrome. Last evaluated: 2024-05-01. Review status: criteria provided, single submitter. Criteria: Invitae Variant Classification Sherloc (09022015). Collection method: clinical testing. Allele origin: germline.

Ambry Genetics
Classification: Likely benign for Hereditary cancer-predisposing syndrome. Last evaluated: 2023-05-16. Review status: criteria provided, single submitter. Criteria: Ambry Variant Classification Scheme 2023. Collection method: clinical testing. Allele origin: germline.

PreventionGenetics, part of Exact Sciences
Classification: Uncertain significance for PTCH1-related condition. Last evaluated: 2022-09-21. Review status: criteria provided, single submitter. Criteria: ACMG Guidelines, 2015. Collection method: clinical testing. Allele origin: germline.
Comment: The PTCH1 c.2677C>T variant is predicted to result in the amino acid substitution p.Arg893Cys. To our knowledge, this variant has not been reported in the literature. This variant is reported in 0.010% of alleles in individuals of East Asian descent in gnomAD and in ClinVar this variant has been interpreted as uncertain. At this time, the clinical significance of this variant is uncertain due to the absence of conclusive functional and genetic evidence.

NM_000264.5(PTCH1):c.2677C>T (p.Arg893Cys)

Gene: PTCH1 (patched 1; minus strand). Cytogenetic location: 9q22.32.
Variant type: single nucleotide variant.
Coding change: c.2677C>T on transcript NM_000264.5 (MANE Select); coding-DNA position 2677, C replaced by T.
Protein change: p.Arg893Cys; replaces arginine 893 with cysteine.
Molecular consequence: missense variant. On other transcripts: non-coding transcript variant (1).
Genome position (GRCh38, 1-based): chr9:95,461,882, G>A on the plus strand (C>T on the coding strand, the complement: PTCH1 is on the minus strand). VCF-style: chr9-95461882-G-A. GRCh37 (hg19) VCF-style: chr9-98224164-G-A.
Other names: c.2479C>T, p.Arg827Cys (NM_001083602.3); c.2674C>T, p.Arg892Cys (NM_001083603.3); c.2224C>T, p.Arg742Cys (NM_001083604.3, NM_001083605.3, NM_001083606.3 and 1 more transcripts); c.2521C>T, p.Arg841Cys (NM_001354918.2); short protein forms R827C, R893C, R742C, R892C, R841C.
Identifiers: ClinVar variation 566041 (VCV000566041.16), dbSNP rs753008328, ClinGen allele CA5138355.